The following is an entry in ClinVar:

ClinVar aggregate classification (germline): Benign (0 of 4 stars; one submission).

Conditions:
DCHS2-related disorder. Also called: DCHS2-related condition.

Allele frequency attached by ClinVar (database versions not stated): gnomAD exomes 0.00055; ExAC 0.00219; gnomAD 0.00601; TOPMed 0.00707; 1000 Genomes Project 0.00759; ESP Exome Variant Server 0.00784; 1000 Genomes Project 30x 0.00843.
gnomAD v4.1: 1,743 of 1,614,016 alleles (0.11%); highest among the groups gnomAD compares: African/African-American, 2%; 14 homozygotes.

Submission:

PreventionGenetics, part of Exact Sciences
Classification: Benign for DCHS2-related condition. Last evaluated: 2019-02-20. Review status: no assertion criteria provided. Collection method: clinical testing. Allele origin: germline.
Comment: This variant is classified as benign based on ACMG/AMP sequence variant interpretation guidelines (Richards et al. 2015 PMID: 25741868, with internal and published modifications).

NM_001358235.2(DCHS2):c.4877C>T (p.Ala1626Val)

Gene: DCHS2 (dachsous cadherin-related 2; minus strand). Cytogenetic location: 4q31.3.
Variant type: single nucleotide variant.
Coding change: c.4877C>T on transcript NM_001358235.2 (MANE Select); coding-DNA position 4877, C replaced by T.
Protein change: p.Ala1626Val; replaces alanine 1626 with valine.
Molecular consequence: missense variant.
Genome position (GRCh38, 1-based): chr4:154,320,522, G>A on the plus strand (C>T on the coding strand, the complement: DCHS2 is on the minus strand). VCF-style: chr4-154320522-G-A. GRCh37 (hg19) VCF-style: chr4-155241674-G-A.
Other names: short protein forms A1626V.
Identifiers: ClinVar variation 3041054 (VCV003041054.2), dbSNP rs56277131, ClinGen allele CA3112783.